The following is an entry in ClinVar:

NM_001243279.3(ACSF3):c.720C>T (p.His240=)

Gene: ACSF3 (acyl-CoA synthetase family member 3; plus strand). Cytogenetic location: 16q24.3.
Variant type: single nucleotide variant.
Coding change: c.720C>T on transcript NM_001243279.3 (MANE Select); coding-DNA position 720, C replaced by T.
Protein change: p.His240=; no amino-acid change (histidine 240 retained).
Molecular consequence: synonymous variant. On other transcripts: 5 prime UTR variant (1), non-coding transcript variant (3).
Genome position (GRCh38, 1-based): chr16:89,102,657, C>T. VCF-style: chr16-89102657-C-T. GRCh37 (hg19) VCF-style: chr16-89169065-C-T.
Other names: c.720C>T, p.His240= (NM_001127214.4, NM_174917.5); c.-76C>T (NM_001284316.2).
Identifiers: ClinVar variation 708419 (VCV000708419.13), dbSNP rs778493922, ClinGen allele CA8237771.
Genomic context (GRCh38, chr16:89,102,657, plus strand): 5'-CCTGCAGGTGACCGGGCTGGTCCACAAGTGGGCATGGACCAAAGACGACGTGATCCTCCA[C>T]GTGCTCCCGCTGCACCACGTCCATGGTGTGGTCAACGCGCTGCTCTGTCCTCTCTGGGTG-3'
Protein context (NP_001230208.1, residues 230-250): WAWTKDDVIL[His240=]VLPLHHVHGV

ClinVar aggregate classification (germline): Likely benign. Review status: criteria provided, multiple submitters, no conflicts (2 of 4 stars). 3 submissions from 3 submitters: Likely benign (2). 1 of the submissions does not count toward it. Last evaluated 2026-01-28.

Conditions:
ACSF3-related disorder. Also called: ACSF3-related condition.
Combined malonic and methylmalonic acidemia. Identifiers: Orphanet 289504, MedGen C3280314, MONDO:0013661, OMIM 614265.

Allele frequency attached by ClinVar (database versions not stated): ExAC 0.00006; gnomAD 0.00006; TOPMed 0.00011.
gnomAD v4.1: 49 of 1,613,794 alleles (0.003%); highest among the groups gnomAD compares: Non-Finnish European, 0.0036%; no homozygotes.

Submissions (3):

Labcorp Genetics (formerly Invitae), Labcorp
Classification: Likely benign for Combined malonic and methylmalonic acidemia. Last evaluated: 2026-01-28. Review status: criteria provided, single submitter. Criteria: Invitae Variant Classification Sherloc (09022015). Collection method: clinical testing. Allele origin: germline.

Blueprint Genetics
Classification: Likely benign. Last evaluated: 2024-10-22. Review status: criteria provided, single submitter. Criteria: ACMG Guidelines, 2015. Collection method: clinical testing. Allele origin: germline.

PreventionGenetics, part of Exact Sciences
Classification: Likely benign for ACSF3-related condition. Last evaluated: 2020-10-02. Review status: no assertion criteria provided. Collection method: clinical testing. Allele origin: germline. Not counted in ClinVar's aggregate classification.
Comment: This variant is classified as likely benign based on ACMG/AMP sequence variant interpretation guidelines (Richards et al. 2015 PMID: 25741868, with internal and published modifications).